The following is an entry in ClinVar:

NM_003072.5(SMARCA4):c.3075C>G (p.Asp1025Glu)

Gene: SMARCA4 (SWI/SNF related BAF chromatin remodeling complex subunit ATPase 4; plus strand). Cytogenetic location: 19p13.2.
Variant type: single nucleotide variant.
Coding change: c.3075C>G on transcript NM_003072.5 (MANE Select); coding-DNA position 3075, C replaced by G.
Protein change: p.Asp1025Glu; replaces aspartic acid 1025 with glutamic acid.
Molecular consequence: missense variant. On other transcripts: non-coding transcript variant (1).
Genome position (GRCh38, 1-based): chr19:11,024,432, C>G. VCF-style: chr19-11024432-C-G. GRCh37 (hg19) VCF-style: chr19-11135108-C-G.
Other names: c.3075C>G, p.Asp1025Glu (NM_001128844.3, NM_001128845.2, NM_001128846.2 and 6 more transcripts); short protein forms D1025E.
Identifiers: ClinVar variation 4537686 (VCV004537686.1).
Genomic context (GRCh38, chr19:11,024,432, plus strand): 5'-AGTGCTCTACCGCCACATGCAGGCCAAGGGCGTGCTGCTGACTGATGGCTCCGAGAAGGA[C>G]AAGAAGGTGGGCCCCAGAGTCCCCCAACTGCATTCCCCACTGGGTGTCCAAGGCCGGCAG-3'
Protein context (NP_003063.2, residues 1015-1035): GVLLTDGSEK[Asp1025Glu]KKGKGGTKTL

ClinVar aggregate classification (germline): Uncertain significance (1 of 4 stars; one submission).

Submission:

GeneDx
Classification: Uncertain significance. Last evaluated: 2025-06-12. Review status: criteria provided, single submitter. Criteria: GeneDx Variant Classification Process June 2021. Collection method: clinical testing. Allele origin: germline. Affected: yes.
Comment: Not observed at significant frequency in large population cohorts (gnomAD); In silico analysis suggests that this missense variant does not alter protein structure/function; Has not been previously published as pathogenic or benign to our knowledge; This variant is associated with the following publications: (PMID: 24658002)